The following is an entry in ClinVar:

ClinVar aggregate classification (germline): Uncertain significance (1 of 4 stars; one submission).

Conditions:
Actin accumulation myopathy (CMYO2A). Also called: Myopathy, actin, congenital, with cores; Nemaline myopathy 3, with intranuclear rods; CONGENITAL MYOPATHY 2A, TYPICAL, AUTOSOMAL DOMINANT; Nemaline myopathy type 3; Myopathy, actin, congenital, with excess of thin myofilaments. Identifiers: Orphanet 98904, MedGen C3711389, MONDO:0008070, OMIM 161800.

Submission:

Labcorp Genetics (formerly Invitae), Labcorp
Classification: Uncertain significance for Actin accumulation myopathy. Last evaluated: 2025-12-08. Review status: criteria provided, single submitter. Criteria: Invitae Variant Classification Sherloc (09022015). Collection method: clinical testing. Allele origin: germline.
Comment: This sequence change falls in intron 3 of the ACTA1 gene. It does not directly change the encoded amino acid sequence of the ACTA1 protein. It affects a nucleotide within the consensus splice site. This variant is not present in population databases (gnomAD no frequency). This variant has not been reported in the literature in individuals affected with ACTA1-related conditions. Variants that disrupt the consensus splice site are a relatively common cause of aberrant splicing (PMID: 17576681, 9536098). Algorithms developed to predict the effect of sequence changes on RNA splicing suggest that this variant is not likely to affect RNA splicing. In summary, the available evidence is currently insufficient to determine the role of this variant in disease. Therefore, it has been classified as a Variant of Uncertain Significance.

Literature cited by the submitters: PubMed 17576681; PubMed 9536098.

NM_001100.4(ACTA1):c.454+3G>A

Gene: ACTA1 (actin alpha 1, skeletal muscle; minus strand). Cytogenetic location: 1q42.13.
Variant type: single nucleotide variant.
Coding change: c.454+3G>A on transcript NM_001100.4 (MANE Select); 3 bases into the intron after coding-DNA position 454, G replaced by A.
Molecular consequence: intron variant.
Genome position (GRCh38, 1-based): chr1:229,432,553, C>T on the plus strand (G>A on the coding strand, the complement: ACTA1 is on the minus strand). VCF-style: chr1-229432553-C-T. GRCh37 (hg19) VCF-style: chr1-229568300-C-T.
Identifiers: ClinVar variation 4811379 (VCV004811379.1).